The following is an entry in ClinVar:

NM_001375524.1(TRRAP):c.9952A>G (p.Met3318Val)

Gene: TRRAP (transformation/transcription domain associated protein; plus strand). Cytogenetic location: 7q22.1.
Variant type: single nucleotide variant.
Coding change: c.9952A>G on transcript NM_001375524.1 (MANE Select); coding-DNA position 9952, A replaced by G.
Protein change: p.Met3318Val; replaces methionine 3318 with valine.
Molecular consequence: missense variant.
Genome position (GRCh38, 1-based): chr7:98,993,642, A>G. VCF-style: chr7-98993642-A-G. GRCh37 (hg19) VCF-style: chr7-98591265-A-G.
Other names: c.9910A>G (NM_001244580.1); c.9910A>G, p.Met3304Val (NM_001244580.2); c.9823A>G, p.Met3275Val (NM_003496.4); short protein forms M3275V, M3304V, M3318V.
Identifiers: ClinVar variation 975628 (VCV000975628.5), dbSNP rs1793524609, ClinGen allele CA368331333.

ClinVar aggregate classification (germline): Pathogenic/Likely pathogenic. Review status: criteria provided, multiple submitters, no conflicts (2 of 4 stars). 4 submissions from 4 submitters: Pathogenic (1); Likely pathogenic (2). 1 of the submissions does not count toward it. Last evaluated 2026-08-02.

Conditions:
TRRAP-related disorder. Also called: TRRAP-related condition.
Developmental delay with or without dysmorphic facies and autism. Identifiers: MedGen C5193106, MONDO:0032760, OMIM 618454.
Hearing loss, autosomal dominant 75. Also called: DEAFNESS, AUTOSOMAL DOMINANT 75. Identifiers: MedGen C5394059, MONDO:0032911, OMIM 618778.
Inborn genetic diseases. Identifiers: MedGen C0950123, MeSH D030342.

Submissions (4):

PreventionGenetics, part of Exact Sciences
Classification: Likely pathogenic for TRRAP-related condition. Last evaluated: 2026-08-02. Review status: criteria provided, single submitter. Criteria: ACMG Guidelines, 2015. Collection method: clinical testing. Allele origin: germline.
Comment: The TRRAP c.9823A>G variant is predicted to result in the amino acid substitution p.Met3275Val. To our knowledge, this variant has not been reported in the literature or in a large population database, indicating this variant is rare. We interpret c.9823A>G (p.Met3275Val) as likely pathogenic.

Ambry Genetics
Classification: Pathogenic for Inborn genetic diseases. Last evaluated: 2024-10-11. Review status: criteria provided, single submitter. Criteria: Ambry Variant Classification Scheme 2023. Collection method: clinical testing. Allele origin: germline.
Comment: The c.9910A>G (p.M3304V) alteration is located in exon 65 (coding exon 64) of the TRRAP gene. This alteration results from an A to G substitution at nucleotide position 9910, causing the methionine (M) at amino acid position 3304 to be replaced by a valine (V). This variant was not reported in population-based cohorts in the Genome Aggregation Database (gnomAD). This variant has been determined to be the result of a de novo mutation in multiple individuals with features consistent with TRRAP-related neurodevelopmental disorder (external communication). This amino acid position is highly conserved in available vertebrate species. This missense alteration is located in a region that has a low rate of benign missense variation (Lek, 2016; Firth, 2009). The in silico prediction for this alteration is inconclusive. Based on the available evidence, this alteration is classified as pathogenic.

Fulgent Genetics
Classification: Likely pathogenic for Developmental delay with or without dysmorphic facies and autism; Hearing loss, autosomal dominant 75. Last evaluated: 2021-09-15. Review status: criteria provided, single submitter. Criteria: ACMG Guidelines, 2015. Collection method: clinical testing. Allele origin: unknown.

Centre de Biologie Pathologie Génétique, Centre Hospitalier Universitaire de Lille
Classification: Likely pathogenic for Developmental delay with or without dysmorphic facies and autism. Last evaluated: 2019-01-01. Review status: no assertion criteria provided. Collection method: clinical testing. Allele origin: unknown. Affected: yes. Not counted in ClinVar's aggregate classification.